The following is an entry in ClinVar:

NM_177531.6(PKHD1L1):c.3096A>G (p.Leu1032=)

Gene: PKHD1L1 (PKHD1 like 1; plus strand). Cytogenetic location: 8q23.1.
Variant type: single nucleotide variant.
Coding change: c.3096A>G on transcript NM_177531.6 (MANE Select); coding-DNA position 3096, A replaced by G.
Protein change: p.Leu1032=; no amino-acid change (leucine 1032 retained).
Molecular consequence: synonymous variant.
Genome position (GRCh38, 1-based): chr8:109,429,435, A>G. VCF-style: chr8-109429435-A-G. GRCh37 (hg19) VCF-style: chr8-110441664-A-G.
Identifiers: ClinVar variation 3352637 (VCV003352637.1).

ClinVar aggregate classification (germline): Likely benign (0 of 4 stars; one submission).

Conditions:
PKHD1L1-related disorder. Also called: PKHD1L1-related condition.

gnomAD v4.1: 372 of 1,608,306 alleles (0.023%); highest among the groups gnomAD compares: Non-Finnish European, 0.03%; no homozygotes.

Submission:

PreventionGenetics, part of Exact Sciences
Classification: Likely benign for PKHD1L1-related condition. Last evaluated: 2024-09-09. Review status: no assertion criteria provided. Collection method: clinical testing. Allele origin: germline.
Comment: This variant is classified as likely benign based on ACMG/AMP sequence variant interpretation guidelines (Richards et al. 2015 PMID: 25741868, with internal and published modifications).